The following is an entry in ClinVar:

ClinVar aggregate classification (germline): Uncertain significance (1 of 4 stars; one submission).

gnomAD v4.1: 2 of 1,613,940 alleles (0.00012%); highest among the groups gnomAD compares: African/African-American, 0.0013%; no homozygotes.

Submission:

Labcorp Genetics (formerly Invitae), Labcorp
Classification: Uncertain significance. Last evaluated: 2025-09-25. Review status: criteria provided, single submitter. Criteria: Invitae Variant Classification Sherloc (09022015). Collection method: clinical testing. Allele origin: germline.
Comment: This sequence change replaces lysine, which is basic and polar, with glutamic acid, which is acidic and polar, at codon 136 of the PCLO protein (p.Lys136Glu). This variant is not present in population databases (gnomAD no frequency). This variant has not been reported in the literature in individuals affected with PCLO-related conditions. Experimental studies and prediction algorithms are not available or were not evaluated, and the functional significance of this variant is currently unknown. In summary, the available evidence is currently insufficient to determine the role of this variant in disease. Therefore, it has been classified as a Variant of Uncertain Significance.

NM_033026.6(PCLO):c.406A>G (p.Lys136Glu)

Gene: PCLO (piccolo presynaptic cytomatrix protein; minus strand). Cytogenetic location: 7q21.11.
Variant type: single nucleotide variant.
Coding change: c.406A>G on transcript NM_033026.6 (MANE Select); coding-DNA position 406, A replaced by G.
Protein change: p.Lys136Glu; replaces lysine 136 with glutamic acid.
Molecular consequence: missense variant.
Genome position (GRCh38, 1-based): chr7:83,156,235, T>C on the plus strand (A>G on the coding strand, the complement: PCLO is on the minus strand). VCF-style: chr7-83156235-T-C. GRCh37 (hg19) VCF-style: chr7-82785551-T-C.
Other names: c.406A>G, p.Lys136Glu (NM_014510.3); short protein forms K136E.
Identifiers: ClinVar variation 4767334 (VCV004767334.1).